The following is an entry in ClinVar:

ClinVar aggregate classification (germline): Likely benign. Review status: criteria provided, multiple submitters, no conflicts (2 of 4 stars). 5 submissions from 4 submitters: Likely benign (5). Last evaluated 2026-01-19.

Conditions:
Developmental and epileptic encephalopathy, 14 (DEE14). Also called: Early infantile epileptic encephalopathy 14. Identifiers: Orphanet 293181, MedGen C3554195, MONDO:0013989, OMIM 614959.
Autosomal dominant nocturnal frontal lobe epilepsy 5. Also called: KCNT1-Related Epilepsy; CILIARY DYSKINESIA, PRIMARY, 28, WITHOUT SITUS INVERSUS; CILIARY DYSKINESIA, PRIMARY, 28, WITH SITUS INVERSUS; Epilepsy, nocturnal frontal lobe, 5. Identifiers: Orphanet 98784, MedGen C3554306, MONDO:0014002, OMIM 615005.

Allele frequency attached by ClinVar (database versions not stated): gnomAD 0.00008; TOPMed 0.00011; ESP Exome Variant Server 0.00023; 1000 Genomes Project 30x 0.00062.
gnomAD v4.1: 92 of 1,607,590 alleles (0.0057%); highest among the groups gnomAD compares: Middle Eastern, 0.068%; no homozygotes.

Submissions (5):

Labcorp Genetics (formerly Invitae), Labcorp
Classification: Likely benign for Autosomal dominant nocturnal frontal lobe epilepsy 5; Developmental and epileptic encephalopathy, 14. Last evaluated: 2026-01-19. Review status: criteria provided, single submitter. Criteria: Invitae Variant Classification Sherloc (09022015). Collection method: clinical testing. Allele origin: germline.

Women's Health and Genetics/Laboratory Corporation of America, LabCorp
Classification: Likely benign. Last evaluated: 2025-07-21. Review status: criteria provided, single submitter. Criteria: LabCorp Variant Classification Summary - May 2015. Collection method: clinical testing. Allele origin: germline.
Comment: Variant summary: KCNT1 c.434+10G>A alters a non-conserved nucleotide located at a position not widely known to affect splicing. Consensus agreement among computation tools predict no significant impact on normal splicing. However, these predictions have yet to be confirmed by functional studies. The variant allele was found at a frequency of 7.8e-05 in 244394 control chromosomes. This frequency is not significantly higher than estimated for a pathogenic variant in KCNT1 causing Developmental And Epileptic Encephalopathy, 14, allowing no conclusion about variant significance. To our knowledge, no occurrence of c.434+10G>A in individuals affected with Developmental And Epileptic Encephalopathy, 14 and no experimental evidence demonstrating its impact on protein function have been reported. ClinVar contains an entry for this variant (Variation ID: 382908). Based on the evidence outlined above, the variant was classified as likely benign.

Genome-Nilou Lab
Classification: Likely benign for Developmental and epileptic encephalopathy, 14. Last evaluated: 2022-03-15. Review status: criteria provided, single submitter. Criteria: ACMG Guidelines, 2015. Collection method: clinical testing. Allele origin: germline. Affected: no.

Genome-Nilou Lab
Classification: Likely benign for Autosomal dominant nocturnal frontal lobe epilepsy 5. Last evaluated: 2022-03-15. Review status: criteria provided, single submitter. Criteria: ACMG Guidelines, 2015. Collection method: clinical testing. Allele origin: germline. Affected: no.

GeneDx
Classification: Likely benign. Last evaluated: 2018-01-09. Review status: criteria provided, single submitter. Criteria: GeneDx Variant Classification (06012015). Collection method: clinical testing. Allele origin: germline. Affected: yes.
Comment: This variant is considered likely benign or benign based on one or more of the following criteria: it is a conservative change, it occurs at a poorly conserved position in the protein, it is predicted to be benign by multiple in silico algorithms, and/or has population frequency not consistent with disease.

NM_020822.3(KCNT1):c.434+10G>A

Gene: KCNT1 (potassium sodium-activated channel subfamily T member 1; plus strand). Cytogenetic location: 9q34.3.
Variant type: single nucleotide variant.
Coding change: c.434+10G>A on transcript NM_020822.3 (MANE Select); 10 bases into the intron after coding-DNA position 434, G replaced by A.
Molecular consequence: intron variant.
Genome position (GRCh38, 1-based): chr9:135,751,051, G>A. VCF-style: chr9-135751051-G-A. GRCh37 (hg19) VCF-style: chr9-138642897-G-A.
Other names: c.290+10G>A (NM_001272003.2).
Identifiers: ClinVar variation 382908 (VCV000382908.14), dbSNP rs187872786, ClinGen allele CA5326407.